The following is an entry in ClinVar:

NM_002519.3(NPAT):c.3587G>A (p.Arg1196Gln)

Gene: NPAT (nuclear protein, coactivator of histone transcription; minus strand). Cytogenetic location: 11q22.3.
Variant type: single nucleotide variant.
Coding change: c.3587G>A on transcript NM_002519.3 (MANE Select); coding-DNA position 3587, G replaced by A.
Protein change: p.Arg1196Gln; replaces arginine 1196 with glutamine.
Molecular consequence: missense variant.
Genome position (GRCh38, 1-based): chr11:108,161,499, C>T on the plus strand (G>A on the coding strand, the complement: NPAT is on the minus strand). VCF-style: chr11-108161499-C-T. GRCh37 (hg19) VCF-style: chr11-108032226-C-T.
Other names: c.3608G>A, p.Arg1203Gln (NM_001321307.1); short protein forms R1196Q, R1203Q.
Identifiers: ClinVar variation 2346562 (VCV002346562.4), dbSNP rs779721763, ClinGen allele CA6263558.
Genomic context (GRCh38, chr11:108,161,499, plus strand): 5'-TTTGAAGATGTGCCTTGTTTTTTGGTCATTTCTTGCAGTGAAGCTATAGATTTCTCACTT[C>T]GCAAACCCCCATTTTGCTGCCCAATAGATAGTTTTGAATTTTCTGGATTTTTCTGTCTTT-3'
Protein context (NP_002510.2, residues 1186-1206): LSIGQQNGGL[Arg1196Gln]SEKSIASLQE

ClinVar aggregate classification (germline): Uncertain significance. Review status: criteria provided, multiple submitters, no conflicts (2 of 4 stars). 2 submissions from 2 submitters: Uncertain significance (2). Last evaluated 2024-10-09.

Allele frequency attached by ClinVar (database versions not stated): ExAC 0.00001; gnomAD exomes 0.00001; gnomAD 0.00002; TOPMed 0.00002.
gnomAD v4.1: 15 of 1,614,058 alleles (0.00093%); highest among the groups gnomAD compares: Middle Eastern, 0.016%; no homozygotes.

Submissions (2):

Labcorp Genetics (formerly Invitae), Labcorp
Classification: Uncertain significance. Last evaluated: 2024-10-09. Review status: criteria provided, single submitter. Criteria: Invitae Variant Classification Sherloc (09022015). Collection method: clinical testing. Allele origin: germline.
Comment: This sequence change replaces arginine, which is basic and polar, with glutamine, which is neutral and polar, at codon 1196 of the NPAT protein (p.Arg1196Gln). This variant is present in population databases (rs779721763, gnomAD 0.002%). This variant has not been reported in the literature in individuals affected with NPAT-related conditions. ClinVar contains an entry for this variant (Variation ID: 2346562). An algorithm developed to predict the effect of missense changes on protein structure and function (PolyPhen-2) suggests that this variant is likely to be tolerated. In summary, the available evidence is currently insufficient to determine the role of this variant in disease. Therefore, it has been classified as a Variant of Uncertain Significance.

Ambry Genetics
Classification: Uncertain significance. Last evaluated: 2021-08-17. Review status: criteria provided, single submitter. Criteria: Ambry Variant Classification Scheme 2023. Collection method: clinical testing. Allele origin: germline.